The following is an entry in ClinVar:

ClinVar aggregate classification (germline): Uncertain significance. Review status: criteria provided, multiple submitters, no conflicts (2 of 4 stars). 2 submissions from 2 submitters: Uncertain significance (2). Last evaluated 2024-06-03.

Conditions:
Inborn genetic diseases. Identifiers: MedGen C0950123, MeSH D030342.

Allele frequency attached by ClinVar (database versions not stated): ExAC 0.00002; TOPMed 0.00002; gnomAD exomes 0.00003 and 0.00005.
gnomAD v4.1: 16 of 1,614,168 alleles (0.00099%); highest among the groups gnomAD compares: Admixed American, 0.025%; no homozygotes.

Submissions (2):

Ambry Genetics
Classification: Uncertain significance for Inborn genetic diseases. Last evaluated: 2024-06-03. Review status: criteria provided, single submitter. Criteria: Ambry Variant Classification Scheme 2023. Collection method: clinical testing. Allele origin: germline.

Labcorp Genetics (formerly Invitae), Labcorp
Classification: Uncertain significance. Last evaluated: 2022-08-31. Review status: criteria provided, single submitter. Criteria: Invitae Variant Classification Sherloc (09022015). Collection method: clinical testing. Allele origin: germline.
Comment: This variant is present in population databases (rs762409543, gnomAD 0.04%). In summary, the available evidence is currently insufficient to determine the role of this variant in disease. Therefore, it has been classified as a Variant of Uncertain Significance. Algorithms developed to predict the effect of missense changes on protein structure and function output the following: SIFT: "Tolerated"; PolyPhen-2: "Benign"; Align-GVGD: "Class C0". The valine amino acid residue is found in multiple mammalian species, which suggests that this missense change does not adversely affect protein function. ClinVar contains an entry for this variant (Variation ID: 1480137). This variant has not been reported in the literature in individuals affected with TRPM1-related conditions. This sequence change replaces isoleucine, which is neutral and non-polar, with valine, which is neutral and non-polar, at codon 314 of the TRPM1 protein (p.Ile314Val).

NM_001252024.2(TRPM1):c.1006A>G (p.Ile336Val)

Gene: TRPM1 (transient receptor potential cation channel subfamily M member 1; minus strand). Cytogenetic location: 15q13.3.
Variant type: single nucleotide variant.
Coding change: c.1006A>G on transcript NM_001252024.2 (MANE Select); coding-DNA position 1006, A replaced by G.
Protein change: p.Ile336Val; replaces isoleucine 336 with valine.
Molecular consequence: missense variant.
Genome position (GRCh38, 1-based): chr15:31,062,662, T>C on the plus strand (A>G on the coding strand, the complement: TRPM1 is on the minus strand). VCF-style: chr15-31062662-T-C. GRCh37 (hg19) VCF-style: chr15-31354865-T-C.
Other names: c.1057A>G, p.Ile353Val (NM_001252020.2); c.940A>G, p.Ile314Val (NM_002420.6); c.940A>G (NM_002420.4); short protein forms I314V, I336V, I353V.
Identifiers: ClinVar variation 1480137 (VCV001480137.5), dbSNP rs762409543, ClinGen allele CA7452721.